The following is an entry in ClinVar:

NM_006172.4(NPPA):c.279T>G (p.Asp93Glu)

Genes: NPPA (natriuretic peptide A; minus strand), NPPA-AS1 (NPPA antisense RNA 1; plus strand), LOC114827827 (VISTA enhancer hs2123; plus strand). Cytogenetic location: 1p36.22.
Variant type: single nucleotide variant.
Coding change: c.279T>G on transcript NM_006172.4 (MANE Select); coding-DNA position 279, T replaced by G.
Protein change: p.Asp93Glu; replaces aspartic acid 93 with glutamic acid.
Molecular consequence: missense variant.
Genome position (GRCh38, 1-based): chr1:11,847,284, A>C on the plus strand (T>G on the coding strand, the complement: NPPA is on the minus strand). VCF-style: chr1-11847284-A-C. GRCh37 (hg19) VCF-style: chr1-11907341-A-C.
Other names: c.279T>G (LRG_751t1); short protein forms D93E.
Identifiers: ClinVar variation 449329 (VCV000449329.5), dbSNP rs148193368, ClinGen allele CA597040.

ClinVar aggregate classification (germline): Uncertain significance. Review status: criteria provided, multiple submitters, no conflicts (2 of 4 stars). 2 submissions from 2 submitters: Uncertain significance (2). Last evaluated 2025-02-13.

Conditions:
Atrial fibrillation, familial, 6 (ATFB6). Identifiers: MedGen C2677294, MONDO:0012816, OMIM 612201.

Allele frequency attached by ClinVar (database versions not stated): gnomAD 0.00007; TOPMed 0.00009; ESP Exome Variant Server 0.00015; ExAC 0.00030.
gnomAD v4.1: 295 of 1,613,556 alleles (0.018%); highest among the groups gnomAD compares: Non-Finnish European, 0.024%; no homozygotes.

Submissions (2):

Labcorp Genetics (formerly Invitae), Labcorp
Classification: Uncertain significance for Atrial fibrillation, familial, 6. Last evaluated: 2025-02-13. Review status: criteria provided, single submitter. Criteria: Invitae Variant Classification Sherloc (09022015). Collection method: clinical testing. Allele origin: germline.
Comment: This sequence change replaces aspartic acid, which is acidic and polar, with glutamic acid, which is acidic and polar, at codon 93 of the NPPA protein (p.Asp93Glu). This variant is present in population databases (rs148193368, gnomAD 0.04%). This missense change has been observed in individual(s) with atrial fibrillation (PMID: 24144883). ClinVar contains an entry for this variant (Variation ID: 449329). An algorithm developed to predict the effect of missense changes on protein structure and function outputs the following: PolyPhen-2: "Benign". The glutamic acid amino acid residue is found in multiple mammalian species, which suggests that this missense change does not adversely affect protein function. In summary, the available evidence is currently insufficient to determine the role of this variant in disease. Therefore, it has been classified as a Variant of Uncertain Significance.

GeneDx
Classification: Uncertain significance. Last evaluated: 2017-07-05. Review status: criteria provided, single submitter. Criteria: GeneDx Variant Classification (06012015). Collection method: clinical testing. Allele origin: germline. Affected: yes.
Comment: The D93E variant in the NPPA gene has been reported previously in one individual with early-onset lone atrial fibrillation, though gender and extended phenotype data were not included (Olesen et al., 2014). The D93E variant is observed in 36/65,778 (0.05%) alleles from individuals of European (Non-Finnish) background, with no homozygous control individuals reported, in the ExAC dataset (Lek et al., 2016). The D93E variant is a conservative amino acid substitution, which is not likely to impact secondary protein structure as these residues share similar properties. This substitution occurs at a position where amino acids with similar properties to Glutamic acid are tolerated across species. In silico analysis predicts this variant likely does not alter the protein structure/function. We interpret D93E as a variant of uncertain significance.

Literature cited by the submitters: PubMed 24144883 (cited by Labcorp Genetics (formerly Invitae), Labcorp).